The following is an entry in ClinVar:

ClinVar aggregate classification (germline): Conflicting classifications of pathogenicity. Review status: criteria provided, conflicting classifications (1 of 4 stars). 11 submissions from 11 submitters: Uncertain significance (3); Benign (1); Likely benign (4). 3 of the submissions do not count toward it. Last evaluated 2025-09-29.

Conditions:
CHEK2-related disorder.
Colorectal cancer. Also called: Malignant Colorectal Neoplasm; Colorectal cancer, somatic. Identifiers: MedGen C0346629, MONDO:0005575, OMIM 114500.
Familial cancer of breast. Also called: BREAST CANCER, FAMILIAL; hereditary breast carcinoma; Hereditary breast cancer. Identifiers: Orphanet 227535, MedGen C0346153, MONDO:0016419, OMIM 114480. Disease mechanism: loss of function.
CHEK2-related cancer predisposition (TPDS4). Also called: TUMOR PREDISPOSITION SYNDROME 4; CANCER PREDISPOSITION SYNDROME, CHEK2-RELATED; CHEK2-related cancer susceptibility. Identifiers: Orphanet 524, MedGen C5882668, MONDO:0700271, OMIM 609265.
Bone osteosarcoma. Also called: Osteosarcoma, somatic. Identifiers: Orphanet 668, MedGen C0585442, MONDO:0002629, OMIM 259500.
Familial prostate cancer. Also called: Hereditary Prostate Cancer. Identifiers: MedGen C2931456, MONDO:0700275, OMIM 176807.
Hereditary cancer-predisposing syndrome. Also called: Neoplastic Syndromes, Hereditary; Hereditary neoplastic syndrome; Hereditary Cancer Syndrome; Tumor predisposition. Identifiers: Orphanet 140162, MedGen C0027672, MeSH D009386, MONDO:0015356.
Malignant tumor of breast. Also called: Cancer breast; Malignant breast neoplasm. Identifiers: MedGen C0006142, MONDO:0007254. Disease mechanism: loss of function.

Allele frequency attached by ClinVar (database versions not stated): gnomAD exomes 0.00004 and 0.00013; ExAC 0.00020; gnomAD 0.00061 and 0.00065; ESP Exome Variant Server 0.00062; TOPMed 0.00065.
gnomAD v4.1: 144 of 1,612,658 alleles (0.0089%); highest among the groups gnomAD compares: African/African-American, 0.18%; no homozygotes.

Submissions (11):

Quest Diagnostics Nichols Institute San Juan Capistrano
Classification: Likely benign. Last evaluated: 2025-09-29. Review status: criteria provided, single submitter. Criteria: Quest Diagnostics criteria. Collection method: clinical testing. Allele origin: unknown.

GeneDx
Classification: Uncertain significance. Last evaluated: 2025-04-29. Review status: criteria provided, single submitter. Criteria: GeneDx Variant Classification Process June 2021. Collection method: clinical testing. Allele origin: germline. Affected: yes.
Comment: Nucleotide is not conserved across species and the substitution has no predicted effect on splicing; Published functional studies demonstrate no damaging effect: produced transcripts similar to wildtype in a minigene assay (PMID: 37725924); Observed in individuals with breast, colon, and other cancers (PMID: 25186627, 27534895, 27978560, 35534704); Alters the Kozak sequence, which plays a major role in the initiation of translation; This variant is associated with the following publications: (PMID: 27534895, 25186627, 27978560, 14687034, 3313277, 35534704, 37725924)

Center for Genomic Medicine, Rigshospitalet, Copenhagen University Hospital
Classification: Likely benign. Last evaluated: 2025-03-04. Review status: criteria provided, single submitter. Criteria: ACMG Guidelines, 2015. Collection method: clinical testing. Allele origin: germline.

Myriad Genetics, Inc.
Classification: Uncertain significance for Familial cancer of breast. Last evaluated: 2023-05-08. Review status: criteria provided, single submitter. Criteria: Myriad Autosomal Dominant, Autosomal Recessive and X-Linked Classification Criteria (2023). Collection method: clinical testing. Allele origin: unknown.
Comment: This variant is classified as a variant of uncertain significance as there is insufficient evidence to determine its impact on protein function and/or cancer risk.

Blueprint Genetics
Classification: Likely benign. Last evaluated: 2022-07-13. Review status: criteria provided, single submitter. Criteria: ACMG Guidelines, 2015. Collection method: clinical testing. Allele origin: germline.

Women's Health and Genetics/Laboratory Corporation of America, LabCorp
Classification: Benign. Last evaluated: 2021-06-05. Review status: criteria provided, single submitter. Criteria: LabCorp Variant Classification Summary - May 2015. Collection method: clinical testing. Allele origin: germline.
Comment: Variant summary: CHEK2 c.-6G>A is located in the untranslated mRNA region upstream of the initiation codon. Although this region is indicated to be affected by pseudogene interference, a BLAT search for the reference sequence (TTTTGAGgTCGTGATGTCTCGGGAGTCGGA, i.e. a 25 or 30 nucleotide sequence surrounding the location of the variant) gave no hits on other chromosomes/regions. The variant allele was found at a frequency of 0.00013 in 244186 control chromosomes, predominantly at a frequency of 0.002 within the African or African-American subpopulation in the gnomAD database. The observed variant frequency within African or African-American control individuals in the gnomAD database is approximately 6.4 fold of the estimated maximal expected allele frequency for a pathogenic variant in CHEK2 causing Hereditary Breast And Ovarian Cancer Syndrome phenotype (0.00031), strongly suggesting that the variant is a benign polymorphism found primarily in populations of African or African-American origin. These report(s) do not provide unequivocal conclusions about association of the variant with Hereditary Breast And Ovarian Cancer Syndrome. To our knowledge, no experimental evidence demonstrating an impact on protein function has been reported. Four clinical diagnostic laboratories have submitted clinical-significance assessments for this variant to ClinVar after 2014 without evidence for independent evaluation (likely benign, n=1; VUS, n=3). Some submitters cite overlapping evidence utilized in the context of this evaluation. Based on the absence of any evidence supporting an actionable outcome as outlined above, the variant was classified as benign.

Color Diagnostics, LLC DBA Color Health
Classification: Likely benign for Hereditary cancer-predisposing syndrome. Last evaluated: 2015-02-16. Review status: criteria provided, single submitter. Criteria: ACMG Guidelines, 2015. Collection method: clinical testing. Allele origin: germline.

Center for Genomics, Ann and Robert H. Lurie Children's Hospital of Chicago
Classification: Uncertain significance for Colorectal cancer; Bone osteosarcoma; Familial cancer of breast; Familial prostate cancer; CHEK2-related cancer predisposition. Review status: criteria provided, single submitter. Criteria: ACMG Guidelines, 2015. Collection method: clinical testing. Allele origin: germline.
Comment: This variant has been reported in the literature in 1 individual with breast cancer and 1 individual with MMR-proficient colorectal cancer (Tung 2015 PMID:25186627; Pearlman 2017 PMID:27978560). This variant is present in the Genome Aggregation Database (Highest reported MAF: 0.2% [89/41178]), and in ClinVar, with classifications ranging benign to uncertain significance (Variation ID:128041). Evolutionary conservation and computational predictive tools for this variant are limited or unavailable. Of note, this variant is located 6 nucleotides upstream from the initiation codon in the conserved Kozak sequence, which is critical for initiation of translation. However, it is unclear what effect this variant may have. In summary, data on this variant is insufficient for disease classification. Therefore, the clinical significance of this variant is uncertain.

PreventionGenetics, part of Exact Sciences
Classification: Likely benign for CHEK2-related condition. Last evaluated: 2021-05-06. Review status: no assertion criteria provided. Collection method: clinical testing. Allele origin: germline. Not counted in ClinVar's aggregate classification.
Comment: This variant is classified as likely benign based on ACMG/AMP sequence variant interpretation guidelines (Richards et al. 2015 PMID: 25741868, with internal and published modifications).

Counsyl
Classification: Uncertain significance for Familial cancer of breast. Last evaluated: 2016-08-03. Review status: no assertion criteria provided. Collection method: clinical testing. Allele origin: unknown. Not counted in ClinVar's aggregate classification.

Department of Pathology and Laboratory Medicine, Sinai Health System
Classification: Likely benign for Malignant tumor of breast. Review status: no assertion criteria provided. Collection method: clinical testing. Allele origin: unknown. Affected: yes. Study: The Canadian Open Genetics Repository (COGR). Not counted in ClinVar's aggregate classification.
Comment: The CHEK2 c.-6G>A variant was identified in 2 of 5216 proband chromosomes (frequency: 0.0004) from individuals with breast and colon cancer and was present in 5 of 19,768 control chromosomes (frequency: 0.0003) from healthy individuals (Tung 2015, Pearlman 2017). The variant was also identified in dbSNP (rs376995740) as â€šÃ„Ãºwith other alleleâ€šÃ„Ã¹, in ClinVar (classified as "likely benign" by Color and Integrated Genetics and "uncertain significance" by GeneDx and Counsyl). The variant was identified in control databases in 53 of 269,654 chromosomes at a frequency of 0.0002 (Genome Aggregation Database Feb 27, 2017). The variant was observed in the following populations: African in 53 of 23,662 chromosomes (freq: 0.00224), but not in the â€šÃ„ÃºOtherâ€šÃ„Ã¹, Latino, European, Ashkenazi Jewish, East Asian, Finnish, and South Asian populations. The variant lies 6 base pairs upstream of the ATG start site and is part of the Kozak consensus sequences which is important for translation initiation, although a G is generally present at the -6 position it is known to vary at this position. The variant occurs outside of the splicing consensus sequence and in silico or computational prediction software programs (SpliceSiteFinder, MaxEntScan, NNSPLICE, GeneSplicer) do not predict a difference in splicing. In summary, based on the above information the clinical significance of this variant cannot be determined with certainty at this time although we would lean towards a more benign role for this variant. This variant is classified as likely benign.

Literature cited by the submitters: PubMed 25186627 (cited by Quest Diagnostics Nichols Institute San Juan Capistrano and Women's Health and Genetics/Laboratory Corporation of America, LabCorp); PubMed 3313277 (cited by Quest Diagnostics Nichols Institute San Juan Capistrano); PubMed 14687034 (cited by Quest Diagnostics Nichols Institute San Juan Capistrano); PubMed 27978560 (cited by Quest Diagnostics Nichols Institute San Juan Capistrano and Women's Health and Genetics/Laboratory Corporation of America, LabCorp); PubMed 27534895 (cited by Quest Diagnostics Nichols Institute San Juan Capistrano); PubMed 35534704 (cited by Quest Diagnostics Nichols Institute San Juan Capistrano).

NM_007194.4(CHEK2):c.-6G>A

Gene: CHEK2 (checkpoint kinase 2; minus strand). Cytogenetic location: 22q12.1.
Variant type: single nucleotide variant.
Coding change: c.-6G>A on transcript NM_007194.4 (MANE Select); 6 bases upstream of the start codon, G replaced by A.
Molecular consequence: 5 prime UTR variant.
Genome position (GRCh38, 1-based): chr22:28,734,727, C>T on the plus strand (G>A on the coding strand, the complement: CHEK2 is on the minus strand). VCF-style: chr22-28734727-C-T. GRCh37 (hg19) VCF-style: chr22-29130715-C-T.
Other names: c.-6G>A (NM_001005735.3, NM_001349956.3, NM_145862.3); c.-783G>A (NM_001257387.3).
Identifiers: ClinVar variation 128041 (VCV000128041.29), dbSNP rs376995740, ClinGen allele CA288250.